The following is an entry in ClinVar:

NM_022089.4(ATP13A2):c.1931C>G (p.Pro644Arg)

Gene: ATP13A2 (ATPase cation transporting 13A2; minus strand). Cytogenetic location: 1p36.13.
Variant type: single nucleotide variant.
Coding change: c.1931C>G on transcript NM_022089.4 (MANE Select); coding-DNA position 1931, C replaced by G.
Protein change: p.Pro644Arg; replaces proline 644 with arginine.
Molecular consequence: missense variant.
Genome position (GRCh38, 1-based): chr1:16,992,317, G>C on the plus strand (C>G on the coding strand, the complement: ATP13A2 is on the minus strand). VCF-style: chr1-16992317-G-C. GRCh37 (hg19) VCF-style: chr1-17318812-G-C.
Other names: c.1916C>G, p.Pro639Arg (NM_001141973.3, NM_001141974.3); short protein forms P639R, P644R.
Identifiers: ClinVar variation 1361282 (VCV001361282.8), dbSNP rs2100780847, ClinGen allele CA338246225.
Genomic context (GRCh38, chr1:16,992,317, plus strand): 5'-CAGAGCCCTGCCACCAGCTCCGGGGAGCCTTTGACGTAGGCCTCGGGCTGAGTGGCCCCT[G>C]GCCACGCCACCACCACACTCATGCGCTGCAGAGCCGAAGAGAAGGGGAAGCGGTGGAGGA-3'
Protein context (NP_071372.1, residues 634-654): LQRMSVVVAW[Pro644Arg]GATQPEAYVK

ClinVar aggregate classification (germline): Uncertain significance (1 of 4 stars; one submission).

Conditions:
Kufor-Rakeb syndrome (KRS). Also called: PARKINSON DISEASE 9, AUTOSOMAL RECESSIVE, JUVENILE-ONSET. Identifiers: Orphanet 306674, Orphanet 314632, MedGen C1847640, MONDO:0011706, OMIM 606693.
Autosomal recessive spastic paraplegia type 78. Identifiers: Orphanet 513436, MedGen C5567893, MONDO:0014975, OMIM 617225.

Submission:

Labcorp Genetics (formerly Invitae), Labcorp
Classification: Uncertain significance for Kufor-Rakeb syndrome; Autosomal recessive spastic paraplegia type 78. Last evaluated: 2021-06-15. Review status: criteria provided, single submitter. Criteria: Invitae Variant Classification Sherloc (09022015). Collection method: clinical testing. Allele origin: germline.
Comment: In summary, the available evidence is currently insufficient to determine the role of this variant in disease. Therefore, it has been classified as a Variant of Uncertain Significance. Advanced modeling of protein sequence and biophysical properties (such as structural, functional, and spatial information, amino acid conservation, physicochemical variation, residue mobility, and thermodynamic stability) performed at Invitae indicates that this missense variant is not expected to disrupt ATP13A2 protein function. This variant has not been reported in the literature in individuals with ATP13A2-related conditions. This variant is not present in population databases (ExAC no frequency). This sequence change replaces proline with arginine at codon 644 of the ATP13A2 protein (p.Pro644Arg). The proline residue is highly conserved and there is a moderate physicochemical difference between proline and arginine.